The following is an entry in ClinVar:

NM_001457.4(FLNB):c.4633C>T (p.Arg1545Ter)

Gene: FLNB (filamin B; plus strand). Cytogenetic location: 3p14.3.
Variant type: single nucleotide variant.
Coding change: c.4633C>T on transcript NM_001457.4 (MANE Select); coding-DNA position 4633, C replaced by T.
Protein change: p.Arg1545Ter; replaces arginine 1545 with a stop codon.
Molecular consequence: nonsense.
Genome position (GRCh38, 1-based): chr3:58,134,734, C>T. VCF-style: chr3-58134734-C-T. GRCh37 (hg19) VCF-style: chr3-58120461-C-T.
Other names: c.4726C>T, p.Arg1576Ter (NM_001164317.2); c.4633C>T, p.Arg1545Ter (NM_001164318.2, NM_001164319.2); short protein forms R1545*, R1576*.
Identifiers: ClinVar variation 4698119 (VCV004698119.1).
Genomic context (GRCh38, chr3:58,134,734, plus strand): 5'-CCCGGCCTTAGTTCCTATGGTGTGCCTGCCAGTCTACCTGTGGACTTTGCAATTGATGCC[C>T]GAGATGCCGGGGAAGGCCTGCTTGCTGTTCAAATAACGGTAACTTGGAGTTATTTTCTGA-3'

ClinVar aggregate classification (germline): Pathogenic (1 of 4 stars; one submission).

gnomAD v4.1: 4 of 1,614,104 alleles (0.00025%); highest among the groups gnomAD compares: Non-Finnish European, 0.00034%; no homozygotes.

Submission:

Labcorp Genetics (formerly Invitae), Labcorp
Classification: Pathogenic. Last evaluated: 2025-10-05. Review status: criteria provided, single submitter. Criteria: Invitae Variant Classification Sherloc (09022015). Collection method: clinical testing. Allele origin: germline.
Comment: This sequence change creates a premature translational stop signal (p.Arg1545*) in the FLNB gene. It is expected to result in an absent or disrupted protein product. Loss-of-function variants in FLNB are known to be pathogenic (PMID: 14991055). This variant is not present in population databases (gnomAD no frequency). This variant has not been reported in the literature in individuals affected with FLNB-related conditions. Algorithms developed to predict the effect of sequence changes on RNA splicing suggest that this variant may disrupt the consensus splice site. For these reasons, this variant has been classified as Pathogenic.

Literature cited by the submitters: PubMed 14991055.